The following is an entry in ClinVar:

NM_001197104.2(KMT2A):c.5916T>G (p.Asp1972Glu)

Gene: KMT2A (lysine methyltransferase 2A; plus strand). Cytogenetic location: 11q23.3.
Variant type: single nucleotide variant.
Coding change: c.5916T>G on transcript NM_001197104.2 (MANE Select); coding-DNA position 5916, T replaced by G.
Protein change: p.Asp1972Glu; replaces aspartic acid 1972 with glutamic acid.
Molecular consequence: missense variant.
Genome position (GRCh38, 1-based): chr11:118,498,483, T>G. VCF-style: chr11-118498483-T-G. GRCh37 (hg19) VCF-style: chr11-118369198-T-G.
Other names: c.6006T>G, p.Asp2002Glu (NM_001412597.1); c.5907T>G, p.Asp1969Glu (NM_005933.4); short protein forms D2002E, D1969E, D1972E.
Identifiers: ClinVar variation 2016831 (VCV002016831.4), dbSNP rs150465296, ClinGen allele CA6304131.

ClinVar aggregate classification (germline): Uncertain significance (1 of 4 stars; one submission).

Allele frequency attached by ClinVar (database versions not stated): ExAC 0.00001; gnomAD 0.00001; ESP Exome Variant Server 0.00008.
gnomAD v4.1: 1 of 1,610,808 alleles (0.000062%); highest among the groups gnomAD compares: African/African-American, 0.0014%; no homozygotes.

Submission:

Labcorp Genetics (formerly Invitae), Labcorp
Classification: Uncertain significance. Last evaluated: 2022-08-17. Review status: criteria provided, single submitter. Criteria: Invitae Variant Classification Sherloc (09022015). Collection method: clinical testing. Allele origin: germline.
Comment: In summary, the available evidence is currently insufficient to determine the role of this variant in disease. Therefore, it has been classified as a Variant of Uncertain Significance. This sequence change replaces aspartic acid, which is acidic and polar, with glutamic acid, which is acidic and polar, at codon 1972 of the KMT2A protein (p.Asp1972Glu). This variant is present in population databases (rs150465296, gnomAD 0.008%). This variant has not been reported in the literature in individuals affected with KMT2A-related conditions. Algorithms developed to predict the effect of missense changes on protein structure and function are either unavailable or do not agree on the potential impact of this missense change (SIFT: "Deleterious"; PolyPhen-2: "Probably Damaging"; Align-GVGD: "Class C0").